The following is an entry in ClinVar:

NM_003331.5(TYK2):c.301C>G (p.Leu101Val)

Gene: TYK2 (tyrosine kinase 2; minus strand). Cytogenetic location: 19p13.2.
Variant type: single nucleotide variant.
Coding change: c.301C>G on transcript NM_003331.5 (MANE Select); coding-DNA position 301, C replaced by G.
Protein change: p.Leu101Val; replaces leucine 101 with valine.
Molecular consequence: missense variant.
Genome position (GRCh38, 1-based): chr19:10,368,311, G>C on the plus strand (C>G on the coding strand, the complement: TYK2 is on the minus strand). VCF-style: chr19-10368311-G-C. GRCh37 (hg19) VCF-style: chr19-10478987-G-C.
Other names: c.301C>G, p.Leu101Val (NM_001385197.1, NM_001385198.1, NM_001385199.1 and 9 more transcripts); short protein forms L101V.
Identifiers: ClinVar variation 4732348 (VCV004732348.1).

ClinVar aggregate classification (germline): Uncertain significance (1 of 4 stars; one submission).

Conditions:
Immunodeficiency 35 (IMD35). Also called: HIES WITH ATYPICAL MYCOBACTERIOSIS, AUTOSOMAL RECESSIVE; HYPER-IgE SYNDROME WITH ATYPICAL MYCOBACTERIOSIS, AUTOSOMAL RECESSIVE; TYK2 DEFICIENCY; Susceptibility to infection due to TYK2 deficiency. Identifiers: Orphanet 331226, MedGen C1969086, MONDO:0012682, OMIM 611521.

Submission:

Labcorp Genetics (formerly Invitae), Labcorp
Classification: Uncertain significance for Immunodeficiency 35. Last evaluated: 2025-12-09. Review status: criteria provided, single submitter. Criteria: Invitae Variant Classification Sherloc (09022015). Collection method: clinical testing. Allele origin: germline.
Comment: This sequence change replaces leucine, which is neutral and non-polar, with valine, which is neutral and non-polar, at codon 101 of the TYK2 protein (p.Leu101Val). This variant is not present in population databases (gnomAD no frequency). This variant has not been reported in the literature in individuals affected with TYK2-related conditions. An algorithm developed to predict the effect of missense changes on protein structure and function (PolyPhen-2) suggests that this variant is likely to be disruptive. In summary, the available evidence is currently insufficient to determine the role of this variant in disease. Therefore, it has been classified as a Variant of Uncertain Significance.